The following is an entry in ClinVar:

ClinVar aggregate classification (germline): Uncertain significance (1 of 4 stars; one submission).

Allele frequency attached by ClinVar (database versions not stated): gnomAD 0.00001; ExAC 0.00002; gnomAD exomes 0.00003.
gnomAD v4.1: 37 of 1,613,810 alleles (0.0023%); highest among the groups gnomAD compares: Non-Finnish European, 0.0031%; no homozygotes.

Submission:

Labcorp Genetics (formerly Invitae), Labcorp
Classification: Uncertain significance. Last evaluated: 2023-08-04. Review status: criteria provided, single submitter. Criteria: Invitae Variant Classification Sherloc (09022015). Collection method: clinical testing. Allele origin: germline.
Comment: ClinVar contains an entry for this variant (Variation ID: 1941502). In summary, the available evidence is currently insufficient to determine the role of this variant in disease. Therefore, it has been classified as a Variant of Uncertain Significance. Advanced modeling of protein sequence and biophysical properties (such as structural, functional, and spatial information, amino acid conservation, physicochemical variation, residue mobility, and thermodynamic stability) performed at Invitae indicates that this missense variant is not expected to disrupt FAT1 protein function. This variant has not been reported in the literature in individuals affected with FAT1-related conditions. This variant is present in population databases (rs768532632, gnomAD 0.004%). This sequence change replaces lysine, which is basic and polar, with arginine, which is basic and polar, at codon 894 of the FAT1 protein (p.Lys894Arg).

NM_005245.4(FAT1):c.2681A>G (p.Lys894Arg)

Gene: FAT1 (FAT atypical cadherin 1; minus strand). Cytogenetic location: 4q35.2.
Variant type: single nucleotide variant.
Coding change: c.2681A>G on transcript NM_005245.4 (MANE Select); coding-DNA position 2681, A replaced by G.
Protein change: p.Lys894Arg; replaces lysine 894 with arginine.
Molecular consequence: missense variant.
Genome position (GRCh38, 1-based): chr4:186,707,147, T>C on the plus strand (A>G on the coding strand, the complement: FAT1 is on the minus strand). VCF-style: chr4-186707147-T-C. GRCh37 (hg19) VCF-style: chr4-187628301-T-C.
Other names: short protein forms K894R.
Identifiers: ClinVar variation 1941502 (VCV001941502.5), dbSNP rs768532632, ClinGen allele CA3167203.